The following is an entry in ClinVar:

NM_000051.4(ATM):c.935_936insTTTTTTTTTTTTTTTTTTTTTTTTTTTTTTTTTTTTTTTNNNATCCGCCCGCCTCGGCCTCCCAAAGTGCTGGGATTACAGGCGTGAGCCACCGCGCCCGGCCCTTT (p.Leu312fs)

Gene: ATM (ATM serine/threonine kinase; plus strand). Cytogenetic location: 11q22.3.
Variant type: Microsatellite.
Coding change: c.935_936insTTTTTTTTTTTTTTTTTTTTTTTTTTTTTTTTTTTTTTTNNNATCCGCCCGCCTCGGCCTCCCAAAGTGCTGGGATTACAGGCGTGAGCCACCGCGCCCGGCCCTTT on transcript NM_000051.4 (MANE Select); coding-DNA positions 935 to 936, TTTTTTTTTTTTTTTTTTTTTTTTTTTTTTTTTTTTTTTNNNATCCGCCCGCCTCGGCCTCCCAAAGTGCTGGGATTACAGGCGTGAGCCACCGCGCCCGGCCCTTT inserted.
Protein change: p.Leu312fs; shifts the reading frame from leucine 312.
Molecular consequence: frameshift variant.
Genome position: GRCh38: chr11:108,246,995-108,246,997. GRCh37 (hg19): chr11:108,117,722-108,117,724.
Other names: c.935_936insTTTTTTTTTTTTTTTTTTTTTTTTTTTTTTTTTTTTTTTNNNATCCGCCCGCCTCGGCCTCCCAAAGTGCTGGGATTACAGGCGTGAGCCACCGCGCCCGGCCCTTT, p.Leu312fs (NM_001351834.2); short protein forms L312fs.
Identifiers: ClinVar variation 1068740 (VCV001068740.7).

ClinVar aggregate classification (germline): Pathogenic (1 of 4 stars; one submission).

Conditions:
Ataxia-telangiectasia syndrome (AT). Also called: LOUIS-BAR SYNDROME; Ataxia-telangiectasia, complementation group D; AT, COMPLEMENTATION GROUP C; Cerebello-oculocutaneous telangiectasia; Immunodeficiency with ataxia telangiectasia; ATAXIA-TELANGIECTASIA, COMPLEMENTATION GROUP A. Identifiers: Orphanet 100, MedGen C0004135, MONDO:0008840, OMIM 208900.

Submission:

Labcorp Genetics (formerly Invitae), Labcorp
Classification: Pathogenic for Ataxia-telangiectasia syndrome. Last evaluated: 2018-02-04. Review status: criteria provided, single submitter. Criteria: Invitae Variant Classification Sherloc (09022015). Collection method: clinical testing. Allele origin: germline.
Comment: For these reasons, this variant has been classified as Pathogenic. Retrotransposon insertions including LINE1 (L1), Alu, and SVA (SINE-VNTR-Alu) have been reported to be disease-causing through disruption of either a coding region or splice site (PMID: 19763152, 20307669, 22406018). Although this variant has not been reported in the literature, loss-of-function variants in ATM are known to be pathogenic (PMID: 25614872, 23807571). This sequence change inserts an Alu retrotransposon in exon 8 of the ATM mRNA (c.935_936insAlu), causing a frameshift at codon 312 (p.Leu312fs). The exact size and sequence of the insertion cannot be determined by the current assay. However, the insertion is expected to result in an absent or disrupted protein product.

Literature cited by the submitters: PubMed 19763152; PubMed 20307669; PubMed 22406018; PubMed 25614872; PubMed 23807571.